The following is an entry in ClinVar:

NM_001365276.2(TNXB):c.7486G>A (p.Val2496Met)

Gene: TNXB (tenascin XB; minus strand). Cytogenetic location: 6p21.33.
Variant type: single nucleotide variant.
Coding change: c.7486G>A on transcript NM_001365276.2 (MANE Select); coding-DNA position 7486, G replaced by A.
Protein change: p.Val2496Met; replaces valine 2496 with methionine.
Molecular consequence: missense variant.
Genome position (GRCh38, 1-based): chr6:32,061,403, C>T on the plus strand (G>A on the coding strand, the complement: TNXB is on the minus strand). VCF-style: chr6-32061403-C-T. GRCh37 (hg19) VCF-style: chr6-32029180-C-T.
Other names: c.7486G>A, p.Val2496Met (NM_019105.8); short protein forms V2496M.
Identifiers: ClinVar variation 1205717 (VCV001205717.8), dbSNP rs182362312, ClinGen allele CA3734138.
Genomic context (GRCh38, chr6:32,061,403, plus strand): 5'-ACCAGGTACCCATGAGGGAAAGGTGGTTACCCCGAGACTCCAAGCACTACTCACCAGTCA[C>T]GCCCACGGTGGACACCGGGCCCACGCGCCGCCCCTCGTGGAGGCCATACAGGTGCATCTT-3'
Protein context (NP_001352205.1, residues 2486-2506): RRVGPVSTVG[Val2496Met]TAPQEDVDET

ClinVar aggregate classification (germline): Conflicting classifications of pathogenicity. Review status: criteria provided, conflicting classifications (1 of 4 stars). 4 submissions from 4 submitters: Uncertain significance (1); Benign (1); Likely benign (2). Last evaluated 2026-02-02.

Conditions:
Cardiovascular phenotype. Identifiers: MedGen CN230736.

Allele frequency attached by ClinVar (database versions not stated): gnomAD exomes 0.00018; ExAC 0.00029; ESP Exome Variant Server 0.00050; gnomAD 0.00084 and 0.00088; TOPMed 0.00100; 1000 Genomes Project 30x 0.00109; 1000 Genomes Project 0.00120.
gnomAD v4.1: 271 of 1,612,462 alleles (0.017%); highest among the groups gnomAD compares: African/African-American, 0.32%; 6 homozygotes.

Submissions (4):

Labcorp Genetics (formerly Invitae), Labcorp
Classification: Benign. Last evaluated: 2026-02-02. Review status: criteria provided, single submitter. Criteria: Invitae Variant Classification Sherloc (09022015). Collection method: clinical testing. Allele origin: germline.

Ambry Genetics
Classification: Uncertain significance for Cardiovascular phenotype. Last evaluated: 2024-05-09. Review status: criteria provided, single submitter. Criteria: Ambry Variant Classification Scheme 2023. Collection method: clinical testing. Allele origin: germline.

Women's Health and Genetics/Laboratory Corporation of America, LabCorp
Classification: Likely benign. Last evaluated: 2023-11-03. Review status: criteria provided, single submitter. Criteria: LabCorp Variant Classification Summary - May 2015. Collection method: clinical testing. Allele origin: germline.
Comment: Variant summary: TNXB c.7486G>A (p.Val2496Met) results in a conservative amino acid change located in the Fibronectin Type III domain (IPR003961) of the encoded protein sequence. Four of five in-silico tools predict a benign effect of the variant on protein function. The variant allele was found at a frequency of 0.00018 in 245106 control chromosomes, predominantly at a frequency of 0.0027 within the African or African-American subpopulation in the gnomAD database, including 1 homozygotes. The observed variant frequency within African or African-American control individuals in the gnomAD database is approximately 2 fold of the estimated maximal expected allele frequency for a pathogenic variant in TNXB causing Ehlers-Danlos-like syndrome phenotype (0.0011), strongly suggesting that the variant is a benign polymorphism found primarily in populations of African or African-American origin. To our knowledge, no occurrence of c.7486G>A in individuals affected with Ehlers-Danlos-like syndrome and no experimental evidence demonstrating its impact on protein function have been reported. Two submitters have cited clinical-significance assessments for this variant to ClinVar after 2014. All submitters classified the variant likely benign. Based on the evidence outlined above, the variant was classified as likely benign.

GeneDx
Classification: Likely benign. Last evaluated: 2020-08-26. Review status: criteria provided, single submitter. Criteria: GeneDx Variant Classification Process June 2021. Collection method: clinical testing. Allele origin: germline. Affected: yes.